The following is an entry in ClinVar:

ClinVar aggregate classification (germline): Uncertain significance. Review status: criteria provided, multiple submitters, no conflicts (2 of 4 stars). 2 submissions from 2 submitters: Uncertain significance (2). Last evaluated 2022-06-13.

Conditions:
Inborn genetic diseases. Identifiers: MedGen C0950123, MeSH D030342.

gnomAD v4.1: 12 of 1,614,156 alleles (0.00074%); highest among the groups gnomAD compares: Middle Eastern, 0.083%; no homozygotes.

Submissions (2):

Ambry Genetics
Classification: Uncertain significance for Inborn genetic diseases. Last evaluated: 2022-06-13. Review status: criteria provided, single submitter. Criteria: Ambry Variant Classification Scheme 2023. Collection method: clinical testing. Allele origin: germline.

Labcorp Genetics (formerly Invitae), Labcorp
Classification: Uncertain significance. Last evaluated: 2022-02-25. Review status: criteria provided, single submitter. Criteria: Invitae Variant Classification Sherloc (09022015). Collection method: clinical testing. Allele origin: germline.
Comment: This sequence change replaces leucine, which is neutral and non-polar, with methionine, which is neutral and non-polar, at codon 739 of the TTLL5 protein (p.Leu739Met). This variant is present in population databases (rs774690827, gnomAD 0.02%). This variant has not been reported in the literature in individuals affected with TTLL5-related conditions. ClinVar contains an entry for this variant (Variation ID: 1011733). Algorithms developed to predict the effect of missense changes on protein structure and function are either unavailable or do not agree on the potential impact of this missense change (SIFT: "Tolerated"; PolyPhen-2: "Probably Damaging"; Align-GVGD: "Class C0"). In summary, the available evidence is currently insufficient to determine the role of this variant in disease. Therefore, it has been classified as a Variant of Uncertain Significance.

NM_015072.5(TTLL5):c.2215T>A (p.Leu739Met)

Gene: TTLL5 (tubulin tyrosine ligase like 5; plus strand). Cytogenetic location: 14q24.3.
Variant type: single nucleotide variant.
Coding change: c.2215T>A on transcript NM_015072.5 (MANE Select); coding-DNA position 2215, T replaced by A.
Protein change: p.Leu739Met; replaces leucine 739 with methionine.
Molecular consequence: missense variant.
Genome position (GRCh38, 1-based): chr14:75,775,562, T>A. VCF-style: chr14-75775562-T-A. GRCh37 (hg19) VCF-style: chr14-76241905-T-A.
Other names: c.2215T>A (NM_015072.4); short protein forms L739M.
Identifiers: ClinVar variation 1011733 (VCV001011733.6), dbSNP rs774690827, ClinGen allele CA7279645.
Genomic context (GRCh38, chr14:75,775,562, plus strand): 5'-CTCAAGCGAGCATCAAATAACCTCCAGCATTCACTGAGGATGGTATTACCCAGTCGACGA[T>A]TGGCACTTCTGGAACGCAGAAGAATCCTGGCCCACCAGCTGGGTGACTTTATCATTGTAT-3'
Protein context (NP_055887.3, residues 729-749): SLRMVLPSRR[Leu739Met]ALLERRRILA